The following is an entry in ClinVar:

ClinVar aggregate classification (germline): Uncertain significance (1 of 4 stars; one submission).

Allele frequency attached by ClinVar (database versions not stated): gnomAD exomes below 0.00001 and 0.00001; TOPMed 0.00002.
gnomAD v4.1: 4 of 1,614,138 alleles (0.00025%); highest among the groups gnomAD compares: Non-Finnish European, 0.00034%; no homozygotes.

Submission:

Labcorp Genetics (formerly Invitae), Labcorp
Classification: Uncertain significance. Last evaluated: 2020-08-08. Review status: criteria provided, single submitter. Criteria: Invitae Variant Classification Sherloc (09022015). Collection method: clinical testing. Allele origin: germline.
Comment: This sequence change replaces serine with leucine at codon 77 of the ADAMTS18 protein (p.Ser77Leu). The serine residue is moderately conserved and there is a large physicochemical difference between serine and leucine. This variant is not present in population databases (ExAC no frequency). This variant has not been reported in the literature in individuals with ADAMTS18-related conditions. Algorithms developed to predict the effect of missense changes on protein structure and function are either unavailable or do not agree on the potential impact of this missense change (SIFT: "Not Available"; PolyPhen-2: "Probably Damaging"; Align-GVGD: "Not Available"). In summary, the available evidence is currently insufficient to determine the role of this variant in disease. Therefore, it has been classified as a Variant of Uncertain Significance.

NM_199355.4(ADAMTS18):c.230C>T (p.Ser77Leu)

Gene: ADAMTS18 (ADAM metallopeptidase with thrombospondin type 1 motif 18; minus strand). Cytogenetic location: 16q23.1.
Variant type: single nucleotide variant.
Coding change: c.230C>T on transcript NM_199355.4 (MANE Select); coding-DNA position 230, C replaced by T.
Protein change: p.Ser77Leu; replaces serine 77 with leucine.
Molecular consequence: missense variant. On other transcripts: 5 prime UTR variant (1).
Genome position (GRCh38, 1-based): chr16:77,431,560, G>A on the plus strand (C>T on the coding strand, the complement: ADAMTS18 is on the minus strand). VCF-style: chr16-77431560-G-A. GRCh37 (hg19) VCF-style: chr16-77465457-G-A.
Other names: c.-291C>T (NM_001326358.2); short protein forms S77L.
Identifiers: ClinVar variation 1038422 (VCV001038422.7), dbSNP rs1353109719, ClinGen allele CA396851535.